The following is an entry in ClinVar:

NM_018699.4(PRDM5):c.1103T>G (p.Val368Gly)

Gene: PRDM5 (PR/SET domain 5; minus strand). Cytogenetic location: 4q27.
Variant type: single nucleotide variant.
Coding change: c.1103T>G on transcript NM_018699.4 (MANE Select); coding-DNA position 1103, T replaced by G.
Protein change: p.Val368Gly; replaces valine 368 with glycine.
Molecular consequence: missense variant.
Genome position (GRCh38, 1-based): chr4:120,798,352, A>C on the plus strand (T>G on the coding strand, the complement: PRDM5 is on the minus strand). VCF-style: chr4-120798352-A-C. GRCh37 (hg19) VCF-style: chr4-121719507-A-C.
Other names: c.1010T>G, p.Val337Gly (NM_001300823.2, NM_001300824.2, NM_001379106.1); c.1136T>G, p.Val379Gly (NM_001379104.1); short protein forms V368G, V379G, V337G.
Identifiers: ClinVar variation 4143971 (VCV004143971.1).
Genomic context (GRCh38, chr4:120,798,352, plus strand): 5'-CTGTGGGCAAATCCCTTTCCACAAAGTTTGCATTTGTAAGGTTTGTCTTCGCTGTGTATT[A>C]CTTTGTGAGCACCCACTTGATCAAGCCTCTTGAAAGACTTATTACAAATCTCGCAATTAT-3'
Protein context (NP_061169.2, residues 358-378): KRLDQVGAHK[Val368Gly]IHSEDKPYKC

ClinVar aggregate classification (germline): Uncertain significance (1 of 4 stars; one submission).

Conditions:
Cardiovascular phenotype. Identifiers: MedGen CN230736.

gnomAD v4.1: 2 of 1,613,658 alleles (0.00012%); highest among the groups gnomAD compares: Non-Finnish European, 0.00017%; no homozygotes.

Submission:

Ambry Genetics
Classification: Uncertain significance for Cardiovascular phenotype. Last evaluated: 2025-07-12. Review status: criteria provided, single submitter. Criteria: Ambry Variant Classification Scheme 2023. Collection method: clinical testing. Allele origin: germline.
Comment: The p.V368G variant (also known as c.1103T>G), located in coding exon 10 of the PRDM5 gene, results from a T to G substitution at nucleotide position 1103. The valine at codon 368 is replaced by glycine, an amino acid with dissimilar properties. This amino acid position is conserved. In addition, this alteration is predicted to be tolerated by in silico analysis. Based on the available evidence, the clinical significance of this variant remains unclear.